The following is an entry in ClinVar:

ClinVar aggregate classification (germline): Likely benign (0 of 4 stars; one submission).

Conditions:
RTEL1-related disorder. Also called: RTEL1-related condition; RTEL1-related disorders.

gnomAD v4.1: 1 of 1,613,958 alleles (0.000062%); highest among the groups gnomAD compares: Non-Finnish European, 0.000085%; no homozygotes.

Submission:

PreventionGenetics, part of Exact Sciences
Classification: Likely benign for RTEL1-related condition. Last evaluated: 2019-06-11. Review status: no assertion criteria provided. Collection method: clinical testing. Allele origin: germline.
Comment: This variant is classified as likely benign based on ACMG/AMP sequence variant interpretation guidelines (Richards et al. 2015 PMID: 25741868, with internal and published modifications).

NM_001283009.2(RTEL1):c.351G>C (p.Ser117=)

Genes: RTEL1 (regulator of telomere elongation helicase 1; plus strand), RTEL1-TNFRSF6B (RTEL1-TNFRSF6B readthrough (NMD candidate); plus strand). Cytogenetic location: 20q13.33.
Variant type: single nucleotide variant.
Coding change: c.351G>C on transcript NM_001283009.2 (MANE Select); coding-DNA position 351, G replaced by C.
Protein change: p.Ser117=; no amino-acid change (serine 117 retained).
Molecular consequence: synonymous variant. On other transcripts: non-coding transcript variant (1), 5 prime UTR variant (1).
Genome position (GRCh38, 1-based): chr20:63,661,899, G>C. VCF-style: chr20-63661899-G-C. GRCh37 (hg19) VCF-style: chr20-62293252-G-C.
Other names: c.-319G>C (NM_001283010.1); c.351G>C, p.Ser117= (NM_016434.4, NM_032957.5).
Identifiers: ClinVar variation 3034453 (VCV003034453.2), dbSNP rs1290133533, ClinGen allele CA511368930.